The following is an entry in ClinVar:

NM_000540.3(RYR1):c.6800T>C (p.Met2267Thr)

Gene: RYR1 (ryanodine receptor 1; plus strand). Cytogenetic location: 19q13.2.
Variant type: single nucleotide variant.
Coding change: c.6800T>C on transcript NM_000540.3 (MANE Select); coding-DNA position 6800, T replaced by C.
Protein change: p.Met2267Thr; replaces methionine 2267 with threonine.
Molecular consequence: missense variant.
Genome position (GRCh38, 1-based): chr19:38,496,863, T>C. VCF-style: chr19-38496863-T-C. GRCh37 (hg19) VCF-style: chr19-38987503-T-C.
Other names: c.6800T>C, p.Met2267Thr (NM_001042723.2); short protein forms M2267T.
Identifiers: ClinVar variation 3385434 (VCV003385434.4).

ClinVar aggregate classification (germline): Uncertain significance. Review status: criteria provided, multiple submitters, no conflicts (2 of 4 stars). 4 submissions from 4 submitters: Uncertain significance (4). Last evaluated 2025-01-21.

Conditions:
Malignant hyperthermia, susceptibility to, 1 (MHS1). Also called: RYR1-Related Malignant Hyperthermia Susceptibility; Anesthesia related hyperthermia; Malignant hyperpyrexia; Fulminating hyperpyrexia; Pharmacogenic myopathy; Malignant hyperthermia suceptibility 1. Identifiers: Orphanet 423, MedGen C2930980, MONDO:0007783, OMIM 145600.

gnomAD v4.1: 5 of 1,613,142 alleles (0.00031%); highest among the groups gnomAD compares: South Asian, 0.0022%; no homozygotes.

Submissions (4):

GeneDx
Classification: Uncertain significance. Last evaluated: 2025-01-21. Review status: criteria provided, single submitter. Criteria: GeneDx Variant Classification Process June 2021. Collection method: clinical testing. Allele origin: germline. Affected: yes.
Comment: Not observed at significant frequency in large population cohorts (gnomAD); In silico analysis supports that this missense variant has a deleterious effect on protein structure/function; Has not been previously published as pathogenic or benign to our knowledge; This variant is associated with the following publications: (PMID: 12668474, 33767344)

All of Us Research Program, National Institutes of Health
Classification: Uncertain significance for Malignant hyperthermia, susceptibility to, 1. Last evaluated: 2024-05-14. Review status: criteria provided, single submitter. Criteria: ACMG Guidelines, 2015. Collection method: clinical testing. Allele origin: germline. Inheritance: Autosomal dominant inheritance. Observed: 1 variant allele, 1 heterozygote.
Comment: This missense variant replaces methionine with threonine at codon 2267 of the RYR1 protein. Computational prediction suggests that this variant may have deleterious impact on protein structure and function (internally defined REVEL score threshold >= 0.7, PMID: 27666373). To our knowledge, functional studies have not been reported for this variant. This variant has not been reported in individuals affected with RYR1-related disorders in the literature. This variant has been identified in 1/250216 chromosomes in the general population by the Genome Aggregation Database (gnomAD). The available evidence is insufficient to determine the role of this variant in disease conclusively. Therefore, this variant is classified as a Variant of Uncertain Significance.

This study involves interpretation of variants in research participants for the purpose of population health screening. Participant phenotype was not available at the time of variant classification. Additional details can be found in publication PMID: 35346344, PMCID: PMC8962531

Color Diagnostics, LLC DBA Color Health
Classification: Uncertain significance for Malignant hyperthermia, susceptibility to, 1. Last evaluated: 2024-04-17. Review status: criteria provided, single submitter. Criteria: ACMG Guidelines, 2015. Collection method: clinical testing. Allele origin: germline.
Comment: This missense variant replaces methionine with threonine at codon 2267 of the RYR1 protein. Computational prediction suggests that this variant may have deleterious impact on protein structure and function. To our knowledge, functional studies have not been reported for this variant. This variant has not been reported in individuals affected with RYR1-related disorders in the literature. This variant has been identified in 1/250216 chromosomes in the general population by the Genome Aggregation Database (gnomAD). The available evidence is insufficient to determine the role of this variant in disease conclusively. Therefore, this variant is classified as a Variant of Uncertain Significance.

Blueprint Genetics
Classification: Uncertain significance. Last evaluated: 2020-03-24. Review status: criteria provided, single submitter. Criteria: ACMG Guidelines, 2015. Collection method: clinical testing. Allele origin: germline.